The following is an entry in ClinVar:

ClinVar aggregate classification (germline): Likely benign. Review status: criteria provided, multiple submitters, no conflicts (2 of 4 stars). 7 submissions from 7 submitters: Likely benign (6). 1 of the submissions does not count toward it. Last evaluated 2025-07-13.

Conditions:
SZT2-related disorder. Also called: SZT2-related condition.
Inborn genetic diseases. Identifiers: MedGen C0950123, MeSH D030342.
Developmental and epileptic encephalopathy, 18 (DEE18). Also called: Early infantile epileptic encephalopathy 18. Identifiers: Orphanet 369894, MedGen C3809624, MONDO:0014201, OMIM 615476.

Allele frequency attached by ClinVar (database versions not stated): gnomAD exomes 0.00010 and 0.00015; ESP Exome Variant Server 0.00017; gnomAD 0.00017 and 0.00021; ExAC 0.00018; TOPMed 0.00040.
gnomAD v4.1: 175 of 1,598,340 alleles (0.011%); highest among the groups gnomAD compares: Admixed American, 0.055%; no homozygotes.

Submissions (7):

Labcorp Genetics (formerly Invitae), Labcorp
Classification: Likely benign. Last evaluated: 2025-07-13. Review status: criteria provided, single submitter. Criteria: Invitae Variant Classification Sherloc (09022015). Collection method: clinical testing. Allele origin: germline.

Blueprint Genetics
Classification: Likely benign. Last evaluated: 2024-10-02. Review status: criteria provided, single submitter. Criteria: ACMG Guidelines, 2015. Collection method: clinical testing. Allele origin: germline.

Women's Health and Genetics/Laboratory Corporation of America, LabCorp
Classification: Likely benign. Last evaluated: 2024-05-13. Review status: criteria provided, single submitter. Criteria: LabCorp Variant Classification Summary - May 2015. Collection method: clinical testing. Allele origin: germline.

Genome-Nilou Lab
Classification: Likely benign for Developmental and epileptic encephalopathy, 18. Last evaluated: 2023-04-11. Review status: criteria provided, single submitter. Criteria: ACMG Guidelines, 2015. Collection method: clinical testing. Allele origin: germline. Affected: no.

GeneDx
Classification: Likely benign. Last evaluated: 2021-02-24. Review status: criteria provided, single submitter. Criteria: GeneDx Variant Classification Process June 2021. Collection method: clinical testing. Allele origin: germline. Affected: yes.

Ambry Genetics
Classification: Likely benign for Inborn genetic diseases. Last evaluated: 2020-02-03. Review status: criteria provided, single submitter. Criteria: Ambry Variant Classification Scheme 2023. Collection method: clinical testing. Allele origin: germline.

PreventionGenetics, part of Exact Sciences
Classification: Likely benign for SZT2-related condition. Last evaluated: 2019-07-18. Review status: no assertion criteria provided. Collection method: clinical testing. Allele origin: germline. Not counted in ClinVar's aggregate classification.
Comment: This variant is classified as likely benign based on ACMG/AMP sequence variant interpretation guidelines (Richards et al. 2015 PMID: 25741868, with internal and published modifications).

NM_001365999.1(SZT2):c.1458T>C (p.Arg486=)

Gene: SZT2 (SZT2 subunit of KICSTOR complex; plus strand). Cytogenetic location: 1p34.2.
Variant type: single nucleotide variant.
Coding change: c.1458T>C on transcript NM_001365999.1 (MANE Select); coding-DNA position 1458, T replaced by C.
Protein change: p.Arg486=; no amino-acid change (arginine 486 retained).
Molecular consequence: synonymous variant.
Genome position (GRCh38, 1-based): chr1:43,420,945, T>C. VCF-style: chr1-43420945-T-C. GRCh37 (hg19) VCF-style: chr1-43886616-T-C.
Other names: c.1458T>C, p.Arg486= (NM_015284.4).
Identifiers: ClinVar variation 696769 (VCV000696769.19), dbSNP rs376484331, ClinGen allele CA808418.
Genomic context (GRCh38, chr1:43,420,945, plus strand): 5'-CTACGACATTTTGCATGATGTGTCCTGTGCACTAAGGCAGCCCATTCGTTCATTGTATCG[T>C]ACCCATGTTATCCGGCGTTTCTGGAACACGCTGCAGAGGTCAGTGAAGTCATCACTCAAT-3'
Protein context (NP_001352928.1, residues 476-496): ALRQPIRSLY[Arg486=]THVIRRFWNT